The following is an entry in ClinVar:

NM_032977.4(CASP10):c.499C>G (p.Leu167Val)

Gene: CASP10 (caspase 10; plus strand). Cytogenetic location: 2q33.1.
Variant type: single nucleotide variant.
Coding change: c.499C>G on transcript NM_032977.4 (MANE Select); coding-DNA position 499, C replaced by G.
Protein change: p.Leu167Val; replaces leucine 167 with valine.
Molecular consequence: missense variant.
Genome position (GRCh38, 1-based): chr2:201,193,041, C>G. VCF-style: chr2-201193041-C-G. GRCh37 (hg19) VCF-style: chr2-202057764-C-G.
Other names: c.499C>G, p.Leu167Val (NM_001206524.2, NM_001206542.2, NM_001230.5 and 3 more transcripts); short protein forms L167V.
Identifiers: ClinVar variation 1988423 (VCV001988423.4), dbSNP rs2469385325, ClinGen allele CA350278850.

ClinVar aggregate classification (germline): Uncertain significance (1 of 4 stars; one submission).

Conditions:
Autoimmune lymphoproliferative syndrome type 2A (ALPS2A). Also called: Autoimmune lymphoproliferative syndrome type 2; CASP10-Related Autoimmune Lymphoproliferative Syndrome; AUTOIMMUNE LYMPHOPROLIFERATIVE SYNDROME, TYPE IIA. Identifiers: Orphanet 3261, MedGen C1858968, MONDO:0011383, OMIM 603909.

Allele frequency attached by ClinVar (database versions not stated): gnomAD exomes 0.00001.
gnomAD v4.1: 4 of 1,613,618 alleles (0.00025%); highest among the groups gnomAD compares: Non-Finnish European, 0.00034%; no homozygotes.

Submission:

Labcorp Genetics (formerly Invitae), Labcorp
Classification: Uncertain significance for Autoimmune lymphoproliferative syndrome type 2A. Last evaluated: 2022-10-14. Review status: criteria provided, single submitter. Criteria: Invitae Variant Classification Sherloc (09022015). Collection method: clinical testing. Allele origin: germline.
Comment: In summary, the available evidence is currently insufficient to determine the role of this variant in disease. Therefore, it has been classified as a Variant of Uncertain Significance. Advanced modeling of protein sequence and biophysical properties (such as structural, functional, and spatial information, amino acid conservation, physicochemical variation, residue mobility, and thermodynamic stability) performed at Invitae indicates that this missense variant is not expected to disrupt CASP10 protein function. This variant has not been reported in the literature in individuals affected with CASP10-related conditions. This variant is not present in population databases (gnomAD no frequency). This sequence change replaces leucine, which is neutral and non-polar, with valine, which is neutral and non-polar, at codon 167 of the CASP10 protein (p.Leu167Val).